The following is an entry in ClinVar:

ClinVar aggregate classification (germline): Uncertain significance (1 of 4 stars; one submission).

Conditions:
Inborn genetic diseases. Identifiers: MedGen C0950123, MeSH D030342.

gnomAD v4.1: 56 of 1,613,880 alleles (0.0035%); highest among the groups gnomAD compares: Middle Eastern, 0.016%; no homozygotes.

Submission:

Ambry Genetics
Classification: Uncertain significance for Inborn genetic diseases. Last evaluated: 2024-12-13. Review status: criteria provided, single submitter. Criteria: Ambry Variant Classification Scheme 2023. Collection method: clinical testing. Allele origin: germline.
Comment: The p.F823L variant (also known as c.2469C>G), located in coding exon 8 of the MECOM gene, results from a C to G substitution at nucleotide position 2469. The phenylalanine at codon 823 is replaced by leucine, an amino acid with highly similar properties. This amino acid position is conserved. In addition, the in silico prediction for this alteration is inconclusive. Based on the available evidence, the clinical significance of this variant remains unclear.

NM_004991.4(MECOM):c.2469C>G (p.Phe823Leu)

Gene: MECOM (MDS1 and EVI1 complex locus; minus strand). Cytogenetic location: 3q26.2.
Variant type: single nucleotide variant.
Coding change: c.2469C>G on transcript NM_004991.4 (MANE Select); coding-DNA position 2469, C replaced by G.
Protein change: p.Phe823Leu; replaces phenylalanine 823 with leucine.
Molecular consequence: missense variant.
Genome position (GRCh38, 1-based): chr3:169,115,403, G>C on the plus strand (C>G on the coding strand, the complement: MECOM is on the minus strand). VCF-style: chr3-169115403-G-C. GRCh37 (hg19) VCF-style: chr3-168833191-G-C.
Other names: c.2100C>G, p.Phe700Leu (NM_001105077.4); c.1905C>G, p.Phe635Leu (NM_001105078.4, NM_001164000.2, NM_001205194.2 and 4 more transcripts); c.1908C>G, p.Phe636Leu (NM_001163999.2, NM_001366467.2, NM_001366468.2 and 1 more transcripts); c.2469C>G, p.Phe823Leu (NM_001366466.2); c.1497C>G, p.Phe499Leu (NM_001366473.2); c.933C>G, p.Phe311Leu (NM_001366474.2); short protein forms F499L, F311L, F635L, F636L, F700L, F823L.
Identifiers: ClinVar variation 3871593 (VCV003871593.1).